The following is an entry in ClinVar:

NM_139057.4(ADAMTS17):c.592G>C (p.Glu198Gln)

Gene: ADAMTS17 (ADAM metallopeptidase with thrombospondin type 1 motif 17; minus strand). Cytogenetic location: 15q26.3.
Variant type: single nucleotide variant.
Coding change: c.592G>C on transcript NM_139057.4 (MANE Select); coding-DNA position 592, G replaced by C.
Protein change: p.Glu198Gln; replaces glutamic acid 198 with glutamine.
Molecular consequence: missense variant.
Genome position (GRCh38, 1-based): chr15:100,330,913, C>G on the plus strand (G>C on the coding strand, the complement: ADAMTS17 is on the minus strand). VCF-style: chr15-100330913-C-G. GRCh37 (hg19) VCF-style: chr15-100871118-C-G.
Other names: c.592G>C (NM_139057.2); short protein forms E198Q.
Identifiers: ClinVar variation 2008159 (VCV002008159.6), dbSNP rs1355713186, ClinGen allele CA394521158.

ClinVar aggregate classification (germline): Uncertain significance. Review status: criteria provided, multiple submitters, no conflicts (2 of 4 stars). 2 submissions from 2 submitters: Uncertain significance (2). Last evaluated 2024-08-05.

Conditions:
Inborn genetic diseases. Identifiers: MedGen C0950123, MeSH D030342.

Allele frequency attached by ClinVar (database versions not stated): TOPMed 0.00001.

Submissions (2):

Labcorp Genetics (formerly Invitae), Labcorp
Classification: Uncertain significance. Last evaluated: 2024-08-05. Review status: criteria provided, single submitter. Criteria: Invitae Variant Classification Sherloc (09022015). Collection method: clinical testing. Allele origin: germline.
Comment: This sequence change replaces glutamic acid, which is acidic and polar, with glutamine, which is neutral and polar, at codon 198 of the ADAMTS17 protein (p.Glu198Gln). This variant is not present in population databases (gnomAD no frequency). This variant has not been reported in the literature in individuals affected with ADAMTS17-related conditions. ClinVar contains an entry for this variant (Variation ID: 2008159). An algorithm developed to predict the effect of missense changes on protein structure and function (PolyPhen-2) suggests that this variant is likely to be tolerated. In summary, the available evidence is currently insufficient to determine the role of this variant in disease. Therefore, it has been classified as a Variant of Uncertain Significance.

Ambry Genetics
Classification: Uncertain significance for Inborn genetic diseases. Last evaluated: 2023-07-19. Review status: criteria provided, single submitter. Criteria: Ambry Variant Classification Scheme 2023. Collection method: clinical testing. Allele origin: germline.